The following is an entry in ClinVar:

ClinVar aggregate classification (germline): Uncertain significance (1 of 4 stars; one submission).

Allele frequency attached by ClinVar (database versions not stated): TOPMed below 0.00001.
gnomAD v4.1: 82 of 1,602,108 alleles (0.0051%); highest among the groups gnomAD compares: Non-Finnish European, 0.0067%; no homozygotes.

Submission:

Labcorp Genetics (formerly Invitae), Labcorp
Classification: Uncertain significance. Last evaluated: 2022-08-08. Review status: criteria provided, single submitter. Criteria: Invitae Variant Classification Sherloc (09022015). Collection method: clinical testing. Allele origin: germline.
Comment: Algorithms developed to predict the effect of missense changes on protein structure and function are either unavailable or do not agree on the potential impact of this missense change (SIFT: "Tolerated"; PolyPhen-2: "Not Available"; Align-GVGD: "Class C0"). In summary, the available evidence is currently insufficient to determine the role of this variant in disease. Therefore, it has been classified as a Variant of Uncertain Significance. This variant has not been reported in the literature in individuals affected with TMEM132E-related conditions. The frequency data for this variant in the population databases is considered unreliable, as metrics indicate poor data quality at this position in the gnomAD database. This sequence change replaces proline, which is neutral and non-polar, with arginine, which is basic and polar, at codon 66 of the TMEM132E protein (p.Pro66Arg).

NM_001304438.2(TMEM132E):c.197C>G (p.Pro66Arg)

Gene: TMEM132E (transmembrane protein 132E; plus strand). Cytogenetic location: 17q12.
Variant type: single nucleotide variant.
Coding change: c.197C>G on transcript NM_001304438.2 (MANE Select); coding-DNA position 197, C replaced by G.
Protein change: p.Pro66Arg; replaces proline 66 with arginine.
Molecular consequence: missense variant.
Genome position (GRCh38, 1-based): chr17:34,626,256, C>G. VCF-style: chr17-34626256-C-G. GRCh37 (hg19) VCF-style: chr17-32953275-C-G.
Other names: short protein forms P66R.
Identifiers: ClinVar variation 2108295 (VCV002108295.4), dbSNP rs1301971901, ClinGen allele CA399070342.